The following is an entry in ClinVar:

NM_004304.5(ALK):c.3783C>T (p.Gly1261=)

Gene: ALK (ALK receptor tyrosine kinase; minus strand). Cytogenetic location: 2p23.2.
Variant type: single nucleotide variant.
Coding change: c.3783C>T on transcript NM_004304.5 (MANE Select); coding-DNA position 3783, C replaced by T.
Protein change: p.Gly1261=; no amino-acid change (glycine 1261 retained).
Molecular consequence: synonymous variant.
Genome position (GRCh38, 1-based): chr2:29,209,839, G>A on the plus strand (C>T on the coding strand, the complement: ALK is on the minus strand). VCF-style: chr2-29209839-G-A. GRCh37 (hg19) VCF-style: chr2-29432705-G-A.
Other names: c.3783C>T (NM_004304.4); c.579C>T, p.Gly193= (NM_001353765.2).
Identifiers: ClinVar variation 3670298 (VCV003670298.3).

ClinVar aggregate classification (germline): Conflicting classifications of pathogenicity. Review status: criteria provided, conflicting classifications (1 of 4 stars). 2 submissions from 2 submitters: Uncertain significance (1); Likely benign (1). Last evaluated 2026-03-11.

Conditions:
Neuroblastoma, susceptibility to, 3. Also called: ALK-Related Neuroblastic Tumor Susceptibility. Identifiers: Orphanet 635, MedGen C2751681, MONDO:0013083, OMIM 613014.
Hereditary cancer-predisposing syndrome. Also called: Hereditary Cancer Syndrome; Neoplastic Syndromes, Hereditary; Tumor predisposition; Hereditary neoplastic syndrome. Identifiers: Orphanet 140162, MedGen C0027672, MeSH D009386, MONDO:0015356.

Submissions (2):

Ambry Genetics
Classification: Uncertain significance for Hereditary cancer-predisposing syndrome. Last evaluated: 2026-03-11. Review status: criteria provided, single submitter. Criteria: Ambry Variant Classification Scheme 2023. Collection method: clinical testing. Allele origin: germline.
Comment: The c.3783C>T variant (also known as p.G1261G), located in coding exon 25 of the ALK gene, results from a C to T substitution at nucleotide position 3783. This nucleotide substitution does not change the glycine at codon 1261. This nucleotide position is not well conserved in available vertebrate species. In silico splice site analysis for this alteration is inconclusive. Based on the available evidence, the clinical significance of this variant remains unclear.

Labcorp Genetics (formerly Invitae), Labcorp
Classification: Likely benign for Neuroblastoma, susceptibility to, 3. Last evaluated: 2024-12-18. Review status: criteria provided, single submitter. Criteria: Invitae Variant Classification Sherloc (09022015). Collection method: clinical testing. Allele origin: germline.